The following is an entry in ClinVar:

NM_001005388.3(NFASC):c.3113A>C (p.Asp1038Ala)

Gene: NFASC (neurofascin; plus strand). Cytogenetic location: 1q32.1.
Variant type: single nucleotide variant.
Coding change: c.3113A>C on transcript NM_001005388.3 (MANE Select); coding-DNA position 3113, A replaced by C.
Protein change: p.Asp1038Ala; replaces aspartic acid 1038 with alanine.
Molecular consequence: missense variant. On other transcripts: intron variant (4).
Genome position (GRCh38, 1-based): chr1:205,001,263, A>C. VCF-style: chr1-205001263-A-C. GRCh37 (hg19) VCF-style: chr1-204970391-A-C.
Other names: c.3434A>C, p.Asp1145Ala (NM_001378329.1); c.3092-8294A>C (NM_001160332.2); c.3077-8294A>C (NM_015090.4); c.2756-8294A>C (NM_001365986.1); c.3137-8294A>C (NM_001160331.2); c.3113A>C (NM_001005388.2); short protein forms D1038A, D1145A.
Identifiers: ClinVar variation 3373515 (VCV003373515.2).

ClinVar aggregate classification (germline): Uncertain significance. Review status: criteria provided, multiple submitters, no conflicts (2 of 4 stars). 2 submissions from 2 submitters: Uncertain significance (2). Last evaluated 2025-05-23.

Conditions:
Inborn genetic diseases. Identifiers: MedGen C0950123, MeSH D030342.

gnomAD v4.1: 2 of 1,611,684 alleles (0.00012%); highest among the groups gnomAD compares: East Asian, 0.0045%; no homozygotes.

Submissions (2):

Ambry Genetics
Classification: Uncertain significance for Inborn genetic diseases. Last evaluated: 2025-05-23. Review status: criteria provided, single submitter. Criteria: Ambry Variant Classification Scheme 2023. Collection method: clinical testing. Allele origin: germline.

GeneDx
Classification: Uncertain significance. Last evaluated: 2024-03-19. Review status: criteria provided, single submitter. Criteria: GeneDx Variant Classification Process June 2021. Collection method: clinical testing. Allele origin: germline. Affected: yes.
Comment: Has not been previously published as pathogenic or benign to our knowledge; Reported using an alternate transcript of the gene; In silico analysis does not support a benign or deleterious effect of this variant on protein structure/function